The following is an entry in ClinVar:

NM_199420.4(POLQ):c.5189A>T (p.Asp1730Val)

Gene: POLQ (DNA polymerase theta; minus strand). Cytogenetic location: 3q13.33.
Variant type: single nucleotide variant.
Coding change: c.5189A>T on transcript NM_199420.4 (MANE Select); coding-DNA position 5189, A replaced by T.
Protein change: p.Asp1730Val; replaces aspartic acid 1730 with valine.
Molecular consequence: missense variant.
Genome position (GRCh38, 1-based): chr3:121,487,742, T>A on the plus strand (A>T on the coding strand, the complement: POLQ is on the minus strand). VCF-style: chr3-121487742-T-A. GRCh37 (hg19) VCF-style: chr3-121206589-T-A.
Other names: short protein forms D1730V.
Identifiers: ClinVar variation 3422446 (VCV003422446.1).
Genomic context (GRCh38, chr3:121,487,742, plus strand): 5'-GGAAATGTCAGCTTAGAAGCAGATGTTGGAATGGGTGTAGGAGGAATGAGACCATTATCA[T>A]CAACTATATTACTTTCTTTACGAGGTAAGAGGGATGAGGTTTCATCATGATTGGCATTGT-3'
Protein context (NP_955452.3, residues 1720-1740): LLPRKESNIV[Asp1730Val]DNGLIPPTPI

ClinVar aggregate classification (germline): Uncertain significance (1 of 4 stars; one submission).

Submission:

Ambry Genetics
Classification: Uncertain significance. Last evaluated: 2024-07-13. Review status: criteria provided, single submitter. Criteria: Ambry Variant Classification Scheme 2023. Collection method: clinical testing. Allele origin: germline.
Comment: The p.D1730V variant (also known as c.5189A>T), located in coding exon 16 of the POLQ gene, results from an A to T substitution at nucleotide position 5189. The aspartic acid at codon 1730 is replaced by valine, an amino acid with highly dissimilar properties. This amino acid position is conserved. In addition, this alteration is predicted to be tolerated by in silico analysis. Based on the available evidence, the clinical significance of this variant remains unclear.